The following is an entry in ClinVar:

ClinVar aggregate classification (germline): Uncertain significance (1 of 4 stars; one submission).

Allele frequency attached by ClinVar (database versions not stated): gnomAD 0.00001; TOPMed 0.00001.
gnomAD v4.1: 1 of 1,611,650 alleles (0.000062%); highest among the groups gnomAD compares: Non-Finnish European, 0.000085%; no homozygotes.

Submission:

Labcorp Genetics (formerly Invitae), Labcorp
Classification: Uncertain significance. Last evaluated: 2022-03-06. Review status: criteria provided, single submitter. Criteria: Invitae Variant Classification Sherloc (09022015). Collection method: clinical testing. Allele origin: germline.
Comment: In summary, the available evidence is currently insufficient to determine the role of this variant in disease. Therefore, it has been classified as a Variant of Uncertain Significance. Algorithms developed to predict the effect of missense changes on protein structure and function are either unavailable or do not agree on the potential impact of this missense change (SIFT: "Tolerated"; PolyPhen-2: "Probably Damaging"; Align-GVGD: "Class C0"). This variant has not been reported in the literature in individuals affected with TSFM-related conditions. This variant is not present in population databases (gnomAD no frequency). This sequence change replaces glycine, which is neutral and non-polar, with glutamic acid, which is acidic and polar, at codon 99 of the TSFM protein (p.Gly99Glu).

NM_005726.6(TSFM):c.296G>A (p.Gly99Glu)

Gene: TSFM (Ts translation elongation factor, mitochondrial; plus strand). Cytogenetic location: 12q14.1.
Variant type: single nucleotide variant.
Coding change: c.296G>A on transcript NM_005726.6 (MANE Select); coding-DNA position 296, G replaced by A.
Protein change: p.Gly99Glu; replaces glycine 99 with glutamic acid.
Molecular consequence: missense variant.
Genome position (GRCh38, 1-based): chr12:57,786,227, G>A. VCF-style: chr12-57786227-G-A. GRCh37 (hg19) VCF-style: chr12-58180010-G-A.
Other names: c.296G>A, p.Gly99Glu (NM_001172695.2, NM_001172696.2, NM_001172697.2); short protein forms G99E.
Identifiers: ClinVar variation 1976568 (VCV001976568.4), dbSNP rs978339573, ClinGen allele CA237830284.